The following is an entry in ClinVar:

NM_017752.3(TBC1D8B):c.421C>T (p.Arg141Ter)

Gene: TBC1D8B (TBC1 domain family member 8B; plus strand). Cytogenetic location: Xq22.3.
Variant type: single nucleotide variant.
Coding change: c.421C>T on transcript NM_017752.3 (MANE Select); coding-DNA position 421, C replaced by T.
Protein change: p.Arg141Ter; replaces arginine 141 with a stop codon.
Molecular consequence: nonsense.
Genome position (GRCh38, 1-based): chrX:106,822,037, C>T. VCF-style: chrX-106822037-C-T. GRCh37 (hg19) VCF-style: chrX-106065267-C-T.
Other names: c.421C>T, p.Arg141Ter (NM_198881.2); short protein forms R141*.
Identifiers: ClinVar variation 3066339 (VCV003066339.1), dbSNP rs775623397, ClinGen allele CA10482954.

ClinVar aggregate classification (germline): Likely pathogenic (1 of 4 stars; one submission).

Conditions:
Nephrotic syndrome, type 20. Identifiers: MedGen C5193011, MONDO:0026726, OMIM 301028.

Allele frequency attached by ClinVar (database versions not stated): gnomAD exomes below 0.00001; ExAC 0.00001; TOPMed 0.00001; gnomAD 0.00003.

Submission:

MVZ Medizinische Genetik Mainz
Classification: Likely pathogenic for Nephrotic syndrome, type 20. Last evaluated: 2023-03-16. Review status: criteria provided, single submitter. Criteria: UK Practice Guidelines For Variant Classification V4 01 2020. Collection method: clinical testing. Allele origin: germline. Inheritance: X-linked dominant inheritance. Affected: yes. Observed: 1 variant allele.
Comment: ACMG Criteria: PVS1, PM2_SUP